The following is an entry in ClinVar:

NM_016169.4(SUFU):c.1435T>C (p.Phe479Leu)

Gene: SUFU (SUFU negative regulator of hedgehog signaling; plus strand). Cytogenetic location: 10q24.32.
Variant type: single nucleotide variant.
Coding change: c.1435T>C on transcript NM_016169.4 (MANE Select); coding-DNA position 1435, T replaced by C.
Protein change: p.Phe479Leu; replaces phenylalanine 479 with leucine.
Molecular consequence: missense variant.
Genome position (GRCh38, 1-based): chr10:102,630,135, T>C. VCF-style: chr10-102630135-T-C. GRCh37 (hg19) VCF-style: chr10-104389892-T-C.
Other names: short protein forms F479L.
Identifiers: ClinVar variation 819209 (VCV000819209.4), dbSNP rs1590095021, ClinGen allele CA377921056.

ClinVar aggregate classification (germline): Uncertain significance (1 of 4 stars; one submission).

Conditions:
Hereditary cancer-predisposing syndrome. Also called: Tumor predisposition; Hereditary neoplastic syndrome; Neoplastic Syndromes, Hereditary; Hereditary Cancer Syndrome. Identifiers: Orphanet 140162, MedGen C0027672, MeSH D009386, MONDO:0015356.

Submission:

Ambry Genetics
Classification: Uncertain significance for Hereditary cancer-predisposing syndrome. Last evaluated: 2019-02-18. Review status: criteria provided, single submitter. Criteria: Ambry Variant Classification Scheme 2023. Collection method: clinical testing. Allele origin: germline.
Comment: The p.F479L variant (also known as c.1435T>C), located in coding exon 12 of the SUFU gene, results from a T to C substitution at nucleotide position 1435. The phenylalanine at codon 479 is replaced by leucine, an amino acid with highly similar properties. This amino acid position is highly conserved in available vertebrate species. In addition, the in silico prediction for this alteration is inconclusive. Since supporting evidence is limited at this time, the clinical significance of this alteration remains unclear.